The following is an entry in ClinVar:

ClinVar aggregate classification (germline): Uncertain significance. Review status: criteria provided, multiple submitters, no conflicts (2 of 4 stars). 2 submissions from 2 submitters: Uncertain significance (2). Last evaluated 2020-12-17.

Conditions:
Hereditary spastic paraplegia 31. Also called: SPASTIC PARAPLEGIA 31, AUTOSOMAL DOMINANT. Identifiers: Orphanet 101011, MedGen C1853247, MONDO:0012453, OMIM 610250.

Submissions (2):

Labcorp Genetics (formerly Invitae), Labcorp
Classification: Uncertain significance for Hereditary spastic paraplegia 31. Last evaluated: 2020-12-17. Review status: criteria provided, single submitter. Criteria: Invitae Variant Classification Sherloc (09022015). Collection method: clinical testing. Allele origin: germline.
Comment: This sequence change replaces methionine with arginine at codon 39 of the REEP1 protein (p.Met39Arg). The methionine residue is highly conserved and there is a moderate physicochemical difference between methionine and arginine. This variant is not present in population databases (ExAC no frequency). This variant has not been reported in the literature in individuals with REEP1-related conditions. Algorithms developed to predict the effect of missense changes on protein structure and function (SIFT, PolyPhen-2, Align-GVGD) all suggest that this variant is likely to be disruptive, but these predictions have not been confirmed by published functional studies and their clinical significance is uncertain. In summary, the available evidence is currently insufficient to determine the role of this variant in disease. Therefore, it has been classified as a Variant of Uncertain Significance.

Athena Diagnostics
Classification: Uncertain significance. Last evaluated: 2019-03-19. Review status: criteria provided, single submitter. Criteria: Athena Diagnostics Criteria. Collection method: clinical testing. Allele origin: germline.

NM_001371279.1(REEP1):c.116T>G (p.Met39Arg)

Gene: REEP1 (receptor accessory protein 1; minus strand). Cytogenetic location: 2p11.2.
Variant type: single nucleotide variant.
Coding change: c.116T>G on transcript NM_001371279.1 (MANE Select); coding-DNA position 116, T replaced by G.
Protein change: p.Met39Arg; replaces methionine 39 with arginine.
Molecular consequence: missense variant.
Genome position (GRCh38, 1-based): chr2:86,264,031, A>C on the plus strand (T>G on the coding strand, the complement: REEP1 is on the minus strand). VCF-style: chr2-86264031-A-C. GRCh37 (hg19) VCF-style: chr2-86491154-A-C.
Other names: c.137T>G, p.Met46Arg (NM_001164730.2); c.35T>G, p.Met12Arg (NM_001164731.2); c.116T>G, p.Met39Arg (NM_001164732.2, NM_001371280.1, NM_022912.3); short protein forms M39R, M46R, M12R.
Identifiers: ClinVar variation 655038 (VCV000655038.11), dbSNP rs1574052888, ClinGen allele CA347720137.